The following is an entry in ClinVar:

ClinVar aggregate classification (germline): Conflicting classifications of pathogenicity. Review status: criteria provided, conflicting classifications (1 of 4 stars). 5 submissions from 5 submitters: Uncertain significance (1); Benign (2); Likely benign (1). 1 of the submissions does not count toward it. Last evaluated 2024-11-27.

Conditions:
Amelogenesis imperfecta, hypocalcification type. Also called: hypocalcified amelogenesis imperfecta; AMELOGENESIS IMPERFECTA, HYPOMINERALIZATION TYPE. Identifiers: Orphanet 100032, Orphanet 88661, MedGen C0399376, MONDO:0968955. Disease mechanism: loss of function.
FAM83H-related disorder. Also called: FAM83H-related condition.

Allele frequency attached by ClinVar (database versions not stated): 1000 Genomes Project 30x 0.00016; 1000 Genomes Project 0.00020; TOPMed 0.00173; gnomAD 0.00176 and 0.00183; gnomAD exomes 0.00269 and 0.00635; ExAC 0.00573.

Submissions (5):

Blueprint Genetics
Classification: Likely benign. Last evaluated: 2024-11-27. Review status: criteria provided, single submitter. Criteria: ACMG Guidelines, 2015. Collection method: clinical testing. Allele origin: germline.

CeGaT Center for Human Genetics Tuebingen
Classification: Benign. Last evaluated: 2023-10-01. Review status: criteria provided, single submitter. Criteria: CeGaT Center For Human Genetics Tuebingen Variant Classification Criteria Version 2. Collection method: clinical testing. Allele origin: germline. Affected: yes. Observed: 1 variant allele.
Comment: SACK1H: BS1, BS2

Labcorp Genetics (formerly Invitae), Labcorp
Classification: Benign. Last evaluated: 2021-10-18. Review status: criteria provided, single submitter. Criteria: Invitae Variant Classification Sherloc (09022015). Collection method: clinical testing. Allele origin: germline.

Mendelics
Classification: Uncertain significance for Amelogenesis imperfecta, type 3A. Last evaluated: 2019-05-28. Review status: criteria provided, single submitter. Criteria: Mendelics Assertion Criteria 2017. Collection method: clinical testing. Allele origin: unknown.

PreventionGenetics, part of Exact Sciences
Classification: Likely benign for FAM83H-related condition. Last evaluated: 2021-12-21. Review status: no assertion criteria provided. Collection method: clinical testing. Allele origin: germline. Not counted in ClinVar's aggregate classification.
Comment: This variant is classified as likely benign based on ACMG/AMP sequence variant interpretation guidelines (Richards et al. 2015 PMID: 25741868, with internal and published modifications).

NM_198488.5(SACK1H):c.1669G>T (p.Gly557Cys)

Gene: SACK1H (scaffolding CK1 anchoring protein H; minus strand). Cytogenetic location: 8q24.3.
Variant type: single nucleotide variant.
Coding change: c.1669G>T on transcript NM_198488.5 (MANE Select); coding-DNA position 1669, G replaced by T.
Protein change: p.Gly557Cys; replaces glycine 557 with cysteine.
Molecular consequence: missense variant.
Genome position (GRCh38, 1-based): chr8:143,727,792, C>A on the plus strand (G>T on the coding strand, the complement: SACK1H is on the minus strand). VCF-style: chr8-143727792-C-A. GRCh37 (hg19) VCF-style: chr8-144809962-C-A.
Other names: c.1669G>T (NM_198488.3); short protein forms G557C.
Identifiers: ClinVar variation 802444 (VCV000802444.32), dbSNP rs312262803, ClinGen allele CA4917386.